The following is an entry in ClinVar:

NM_152296.5(ATP1A3):c.93+1G>A

Gene: ATP1A3 (ATPase Na+/K+ transporting subunit alpha 3; minus strand). Cytogenetic location: 19q13.2.
Variant type: single nucleotide variant.
Coding change: c.93+1G>A on transcript NM_152296.5 (MANE Select); the canonical splice donor site of the intron after coding-DNA position 93, G replaced by A.
Molecular consequence: splice donor variant.
Genome position (GRCh38, 1-based): chr19:41,988,475, C>T on the plus strand (G>A on the coding strand, the complement: ATP1A3 is on the minus strand). VCF-style: chr19-41988475-C-T. GRCh37 (hg19) VCF-style: chr19-42492627-C-T.
Other names: c.132+1G>A (NM_001256214.2); c.126+1G>A (NM_001256213.2).
Identifiers: ClinVar variation 4975264 (VCV004975264.1).

ClinVar aggregate classification (germline): Uncertain significance (1 of 4 stars; one submission).

Submission:

GeneDx
Classification: Uncertain significance. Last evaluated: 2026-01-20. Review status: criteria provided, single submitter. Criteria: GeneDx Variant Classification Process June 2021. Collection method: clinical testing. Allele origin: germline.
Comment: Not observed at significant frequency in large population cohorts (gnomAD); Canonical splice site variant with an unclear effect on protein function; Has not been previously published as pathogenic or benign to our knowledge